The following is an entry in ClinVar:

ClinVar aggregate classification (germline): Likely benign (0 of 4 stars; one submission).

Conditions:
HDC-related disorder. Also called: HDC-related condition.

Allele frequency attached by ClinVar (database versions not stated): gnomAD exomes 0.00001; ExAC 0.00002; ESP Exome Variant Server 0.00008; gnomAD 0.00009; TOPMed 0.00011; 1000 Genomes Project 30x 0.00016; 1000 Genomes Project 0.00020.
gnomAD v4.1: 17 of 1,614,074 alleles (0.0011%); highest among the groups gnomAD compares: African/African-American, 0.023%; no homozygotes.

Submission:

PreventionGenetics, part of Exact Sciences
Classification: Likely benign for HDC-related condition. Last evaluated: 2019-05-02. Review status: no assertion criteria provided. Collection method: clinical testing. Allele origin: germline.
Comment: This variant is classified as likely benign based on ACMG/AMP sequence variant interpretation guidelines (Richards et al. 2015 PMID: 25741868, with internal and published modifications).

NM_002112.4(HDC):c.1524T>C (p.Ser508=)

Gene: HDC (histidine decarboxylase; minus strand). Cytogenetic location: 15q21.2.
Variant type: single nucleotide variant.
Coding change: c.1524T>C on transcript NM_002112.4 (MANE Select); coding-DNA position 1524, T replaced by C.
Protein change: p.Ser508=; no amino-acid change (serine 508 retained).
Molecular consequence: synonymous variant.
Genome position (GRCh38, 1-based): chr15:50,242,725, A>G on the plus strand (T>C on the coding strand, the complement: HDC is on the minus strand). VCF-style: chr15-50242725-A-G. GRCh37 (hg19) VCF-style: chr15-50534922-A-G.
Other names: c.1425T>C, p.Ser475= (NM_001306146.2).
Identifiers: ClinVar variation 3038401 (VCV003038401.2), dbSNP rs368952881, ClinGen allele CA7554540.